The following is an entry in ClinVar:

ClinVar aggregate classification (germline): Uncertain significance (1 of 4 stars; one submission).

gnomAD v4.1: 5 of 1,613,940 alleles (0.00031%); highest among the groups gnomAD compares: Non-Finnish European, 0.00042%; no homozygotes.

Submission:

GeneDx
Classification: Uncertain significance. Last evaluated: 2025-03-20. Review status: criteria provided, single submitter. Criteria: GeneDx Variant Classification Process June 2021. Collection method: clinical testing. Allele origin: germline. Affected: yes.
Comment: Not observed at significant frequency in large population cohorts (gnomAD); Missense variant in a gene in which most reported pathogenic variants are truncating/loss of function; Has not been previously published as pathogenic or benign to our knowledge

NM_001267550.2(TTN):c.955A>G (p.Arg319Gly)

Gene: TTN (titin; minus strand). Cytogenetic location: 2q31.2.
Variant type: single nucleotide variant.
Coding change: c.955A>G on transcript NM_001267550.2 (MANE Select); coding-DNA position 955, A replaced by G.
Protein change: p.Arg319Gly; replaces arginine 319 with glycine.
Molecular consequence: missense variant.
Genome position (GRCh38, 1-based): chr2:178,795,212, T>C on the plus strand (A>G on the coding strand, the complement: TTN is on the minus strand). VCF-style: chr2-178795212-T-C. GRCh37 (hg19) VCF-style: chr2-179659939-T-C.
Other names: c.955A>G, p.Arg319Gly (NM_001256850.1, NM_003319.4, NM_133378.4 and 3 more transcripts); short protein forms R319G.
Identifiers: ClinVar variation 4086334 (VCV004086334.1).
Genomic context (GRCh38, chr2:178,795,212, plus strand): 5'-GACCTGTGGCCACGGTGGATGCCTGAGTCTTACGCATGAGCAATGGAGACCTAACAGACC[T>C]GATGGGGGATGTGGAGATTCTTGCTGCTGGAGACACGGACCTGAAAACCAAAAGGCAGAG-3'
Protein context (NP_001254479.2, residues 309-329): PAARISTSPI[Arg319Gly]SVRSPLLMRK